The following is an entry in ClinVar:

ClinVar aggregate classification (germline): Conflicting classifications of pathogenicity. Review status: criteria provided, conflicting classifications (1 of 4 stars). 4 submissions from 4 submitters: Uncertain significance (3); Likely benign (1). Last evaluated 2025-08-14.

Conditions:
ABCA4-related disorder. Also called: ABCA4-related disorders; ABCA4-related condition. Identifiers: MedGen CN239167.

Allele frequency attached by ClinVar (database versions not stated): 1000 Genomes Project 0.00020; gnomAD exomes 0.00007 and 0.00009; ExAC 0.00011; TOPMed 0.00011; gnomAD 0.00012; ESP Exome Variant Server 0.00015; 1000 Genomes Project 30x 0.00016.
gnomAD v4.1: 117 of 1,613,742 alleles (0.0073%); highest among the groups gnomAD compares: African/African-American, 0.0093%; no homozygotes.

Submissions (4):

Labcorp Genetics (formerly Invitae), Labcorp
Classification: Likely benign. Last evaluated: 2025-08-14. Review status: criteria provided, single submitter. Criteria: Invitae Variant Classification Sherloc (09022015). Collection method: clinical testing. Allele origin: germline.

PreventionGenetics, part of Exact Sciences
Classification: Uncertain significance for ABCA4-related condition. Last evaluated: 2024-12-18. Review status: criteria provided, single submitter. Criteria: ACMG Guidelines, 2015. Collection method: clinical testing. Allele origin: germline.
Comment: The ABCA4 c.5076C>T variant is not predicted to result in an amino acid change (p.=). To our knowledge, this variant has not been reported in the literature. This variant is predicted to alter splicing based on available splicing prediction programs (SpliceAI, Jaganathan et al. 2019. PubMed ID: 30661751). However, the use of computer prediction programs is not equivalent to functional evidence. This variant is reported in 0.016% of alleles in individuals of European (Non-Finnish) descent in gnomAD. Although we suspect this variant may be benign, at this time, the clinical significance of this variant is uncertain due to the absence of conclusive functional and genetic evidence.

Blueprint Genetics
Classification: Uncertain significance. Last evaluated: 2024-07-02. Review status: criteria provided, single submitter. Criteria: ACMG Guidelines, 2015. Collection method: clinical testing. Allele origin: germline.

Illumina Laboratory Services, Illumina
Classification: Uncertain significance for ABCA4-Related Disorders. Last evaluated: 2018-01-12. Review status: criteria provided, single submitter. Criteria: ICSL Variant Classification Criteria 13 December 2019. Collection method: clinical testing. Allele origin: germline.

NM_000350.3(ABCA4):c.5076C>T (p.Phe1692=)

Gene: ABCA4 (ATP binding cassette subfamily A member 4; minus strand). Cytogenetic location: 1p22.1.
Variant type: single nucleotide variant.
Coding change: c.5076C>T on transcript NM_000350.3 (MANE Select); coding-DNA position 5076, C replaced by T.
Protein change: p.Phe1692=; no amino-acid change (phenylalanine 1692 retained).
Molecular consequence: synonymous variant.
Genome position (GRCh38, 1-based): chr1:94,019,702, G>A on the plus strand (C>T on the coding strand, the complement: ABCA4 is on the minus strand). VCF-style: chr1-94019702-G-A. GRCh37 (hg19) VCF-style: chr1-94485258-G-A.
Other names: c.4854C>T, p.Phe1618= (NM_001425324.1).
Identifiers: ClinVar variation 875690 (VCV000875690.14), dbSNP rs148351929, ClinGen allele CA957379.
Genomic context (GRCh38, chr1:94,019,702, plus strand): 5'-GAGGTGCTTGGATTTGTTCACCCGCTCCTGGATCAAATAAAGGACAAAGCTGGCTGGGAC[G>A]AAGGACATGGAGAAAATCACGCAGATGGCAACCACAGCATCCACTGAAGTGGTCAGCCTG-3'
Protein context (NP_000341.2, residues 1682-1702): VAICVIFSMS[Phe1692=]VPASFVLYLI